The following is an entry in ClinVar:

ClinVar aggregate classification (germline): Uncertain significance (1 of 4 stars; one submission).

Conditions:
Brugada syndrome 5 (BRGDA5). Identifiers: Orphanet 130, Orphanet 871, MedGen C2748541, MONDO:0013015, OMIM 612838.

Submission:

Labcorp Genetics (formerly Invitae), Labcorp
Classification: Uncertain significance for Brugada syndrome 5. Last evaluated: 2025-02-07. Review status: criteria provided, single submitter. Criteria: Invitae Variant Classification Sherloc (09022015). Collection method: clinical testing. Allele origin: germline.
Comment: This sequence change replaces glutamic acid, which is acidic and polar, with lysine, which is basic and polar, at codon 193 of the SCN1B protein (p.Glu193Lys). This variant is present in population databases (no rsID available, gnomAD 0.001%). This missense change has been observed in individual(s) with SCN1B-related conditions (PMID: 30847666). An algorithm developed to predict the effect of missense changes on protein structure and function (PolyPhen-2) suggests that this variant is likely to be tolerated. In summary, the available evidence is currently insufficient to determine the role of this variant in disease. Therefore, it has been classified as a Variant of Uncertain Significance.

Literature cited by the submitters: PubMed 30847666.

NM_001037.5(SCN1B):c.448+129G>A

Gene: SCN1B (sodium voltage-gated channel beta subunit 1; plus strand). Cytogenetic location: 19q13.11.
Variant type: single nucleotide variant.
Coding change: c.448+129G>A on transcript NM_001037.5 (MANE Select); 129 bases into the intron after coding-DNA position 448, G replaced by A.
Molecular consequence: intron variant. On other transcripts: missense variant (1).
Genome position (GRCh38, 1-based): chr19:35,033,868, G>A. VCF-style: chr19-35033868-G-A. GRCh37 (hg19) VCF-style: chr19-35524772-G-A.
Other names: c.577G>A, p.Glu193Lys (NM_199037.5); c.349+129G>A (NM_001321605.2); short protein forms E193K.
Identifiers: ClinVar variation 3707699 (VCV003707699.2).